The following is an entry in ClinVar:

ClinVar aggregate classification (germline): Benign. Review status: criteria provided, multiple submitters, no conflicts (2 of 4 stars). 20 submissions from 16 submitters: Benign (15). 5 of the submissions do not count toward it. Last evaluated 2026-02-04.

Conditions:
Charcot-Marie-Tooth disease. Also called: Charcot-Marie-Tooth Hereditary Neuropathy; Charcot-Marie-Tooth Neuropathy. Identifiers: Orphanet 166, MedGen C0007959, MONDO:0015626.
Charcot-Marie-Tooth disease type 4. Also called: Charcot-Marie-Tooth disease, type IV; Charcot-Marie-Tooth, Type 4. Identifiers: Orphanet 64749, MedGen C4082197, MONDO:0018995.
Bilateral parasagittal parieto-occipital polymicrogyria. Also called: Polymicrogyria, bilateral temporooccipital. Identifiers: Orphanet 208441, MedGen C4013648, MONDO:0012986, OMIM 612691.
Yunis-Varon syndrome (YVS). Also called: Cleidocranial dysplasia, micrognathia, absent thumbs, & distal aphalangia. Identifiers: Orphanet 3472, MedGen C1857663, MONDO:0008995, OMIM 216340.
Charcot-Marie-Tooth disease type 4J (CMT4J). Also called: CHARCOT-MARIE-TOOTH DISEASE, AUTOSOMAL RECESSIVE, TYPE 4J; CHARCOT-MARIE-TOOTH DISEASE, DEMYELINATING, TYPE 4J; Charcot-Marie-Tooth Neuropathy Type 4J. Identifiers: Orphanet 139515, MedGen C1970011, MONDO:0012640, OMIM 611228.
Amyotrophic lateral sclerosis type 11 (ALS11). Identifiers: Orphanet 803, MedGen C2675491, MONDO:0012945, OMIM 612577.

Allele frequency attached by ClinVar (database versions not stated): gnomAD exomes 0.26869; ExAC 0.27534; ESP Exome Variant Server 0.32675; gnomAD 0.33924 and 0.33994; TOPMed 0.35097; 1000 Genomes Project 0.44788; 1000 Genomes Project 30x 0.44847.
gnomAD v4.1: 338,959 of 1,610,604 alleles (21%); highest among the groups gnomAD compares: African/African-American, 70%; 51,283 homozygotes.

Submissions (20):

Labcorp Genetics (formerly Invitae), Labcorp
Classification: Benign for Charcot-Marie-Tooth disease type 4. Last evaluated: 2026-02-04. Review status: criteria provided, single submitter. Criteria: Invitae Variant Classification Sherloc (09022015). Collection method: clinical testing. Allele origin: germline.

ARUP Laboratories, Molecular Genetics and Genomics, ARUP Laboratories
Classification: Benign. Last evaluated: 2025-07-30. Review status: criteria provided, single submitter. Criteria: ARUP Molecular Germline Variant Investigation Process 2024. Collection method: clinical testing. Allele origin: germline.

Blueprint Genetics
Classification: Benign. Last evaluated: 2024-11-27. Review status: criteria provided, single submitter. Criteria: ACMG Guidelines, 2015. Collection method: clinical testing. Allele origin: germline.

Genome-Nilou Lab
Classification: Benign for Bilateral parasagittal parieto-occipital polymicrogyria. Last evaluated: 2021-08-10. Review status: criteria provided, single submitter. Criteria: ACMG Guidelines, 2015. Collection method: clinical testing. Allele origin: germline. Affected: no.

Genome-Nilou Lab
Classification: Benign for Amyotrophic lateral sclerosis type 11. Last evaluated: 2021-08-10. Review status: criteria provided, single submitter. Criteria: ACMG Guidelines, 2015. Collection method: clinical testing. Allele origin: germline. Affected: no.

Genome-Nilou Lab
Classification: Benign for Charcot-Marie-Tooth disease type 4J. Last evaluated: 2021-08-10. Review status: criteria provided, single submitter. Criteria: ACMG Guidelines, 2015. Collection method: clinical testing. Allele origin: germline. Affected: no.

Genome-Nilou Lab
Classification: Benign for Yunis-Varon syndrome. Last evaluated: 2021-08-10. Review status: criteria provided, single submitter. Criteria: ACMG Guidelines, 2015. Collection method: clinical testing. Allele origin: germline. Affected: no.

Mendelics
Classification: Benign for Amyotrophic lateral sclerosis type 11. Last evaluated: 2019-05-28. Review status: criteria provided, single submitter. Criteria: Mendelics Assertion Criteria 2017. Collection method: clinical testing. Allele origin: unknown.

Athena Diagnostics
Classification: Benign. Last evaluated: 2019-04-02. Review status: criteria provided, single submitter. Criteria: Athena Diagnostics Criteria. Collection method: clinical testing. Allele origin: germline.

Illumina Laboratory Services, Illumina
Classification: Benign for Charcot-Marie-Tooth disease type 4J. Last evaluated: 2018-01-12. Review status: criteria provided, single submitter. Criteria: ICSL Variant Classification Criteria 13 December 2019. Collection method: clinical testing. Allele origin: germline.
Comment: This variant was observed in the ICSL laboratory as part of a predisposition screen in an ostensibly healthy population. It had not been previously curated by ICSL or reported in the Human Gene Mutation Database (HGMD: prior to June 1st, 2018), and was therefore a candidate for classification through an automated scoring system. Utilizing variant allele frequency, disease prevalence and penetrance estimates, and inheritance mode, an automated score was calculated to assess if this variant is too frequent to cause the disease. Based on the score and internal cut-off values, a variant classified as benign is not then subjected to further curation. The score for this variant resulted in a classification of benign for this disease.

Illumina Laboratory Services, Illumina
Classification: Benign for Amyotrophic lateral sclerosis type 11. Last evaluated: 2018-01-12. Review status: criteria provided, single submitter. Criteria: ICSL Variant Classification Criteria 13 December 2019. Collection method: clinical testing. Allele origin: germline.
Comment: the same text as in the submission from Illumina Laboratory Services, Illumina above.

Mayo Clinic Laboratories, Mayo Clinic
Classification: Benign. Last evaluated: 2016-03-02. Review status: criteria provided, single submitter. Criteria: ACMG Guidelines, 2015. Collection method: clinical testing. Allele origin: germline. Observed: 989 variant alleles.

GeneDx
Classification: Benign. Last evaluated: 2014-02-20. Review status: criteria provided, single submitter. Criteria: GeneDx Variant Classification (06012015). Collection method: clinical testing. Allele origin: germline. Affected: yes.
Comment: This variant is considered likely benign or benign based on one or more of the following criteria: it is a conservative change, it occurs at a poorly conserved position in the protein, it is predicted to be benign by multiple in silico algorithms, and/or has population frequency not consistent with disease.

Molecular Genetics Laboratory, London Health Sciences Centre
Classification: Benign for Charcot-Marie-Tooth disease. Review status: criteria provided, single submitter. Criteria: ACMG Guidelines, 2015. Collection method: clinical testing. Allele origin: germline. Affected: yes.

PreventionGenetics, part of Exact Sciences
Classification: Benign. Review status: criteria provided, single submitter. Criteria: ACMG Guidelines, 2015. Collection method: clinical testing. Allele origin: germline.

Clinical Genetics DNA and cytogenetics Diagnostics Lab, Erasmus MC, Erasmus Medical Center
Classification: Benign. Review status: no assertion criteria provided. Collection method: clinical testing. Allele origin: germline. Affected: yes. Study: VKGL Data-share Consensus. Not counted in ClinVar's aggregate classification.

Clinical Genetics, Academic Medical Center
Classification: Benign. Review status: no assertion criteria provided. Collection method: clinical testing. Allele origin: germline. Affected: yes. Study: VKGL Data-share Consensus. Not counted in ClinVar's aggregate classification.

Diagnostic Laboratory, Department of Genetics, University Medical Center Groningen
Classification: Benign. Review status: no assertion criteria provided. Collection method: clinical testing. Allele origin: germline. Affected: yes. Study: VKGL Data-share Consensus. Not counted in ClinVar's aggregate classification.

Genome Diagnostics Laboratory, Amsterdam University Medical Center
Classification: Benign. Review status: no assertion criteria provided. Collection method: clinical testing. Allele origin: germline. Affected: yes. Study: VKGL Data-share Consensus. Not counted in ClinVar's aggregate classification.

Genome Diagnostics Laboratory, University Medical Center Utrecht
Classification: Benign. Review status: no assertion criteria provided. Collection method: clinical testing. Allele origin: germline. Affected: yes. Study: VKGL Data-share Consensus. Not counted in ClinVar's aggregate classification.

NM_014845.6(FIG4):c.1961T>C (p.Val654Ala)

Gene: FIG4 (FIG4 phosphoinositide 5-phosphatase; plus strand). Cytogenetic location: 6q21.
Variant type: single nucleotide variant.
Coding change: c.1961T>C on transcript NM_014845.6 (MANE Select); coding-DNA position 1961, T replaced by C.
Protein change: p.Val654Ala; replaces valine 654 with alanine.
Molecular consequence: missense variant.
Genome position (GRCh38, 1-based): chr6:109,786,314, T>C. VCF-style: chr6-109786314-T-C. GRCh37 (hg19) VCF-style: chr6-110107517-T-C.
Other names: p.V654A:GTG>GCG; short protein forms V654A.
Identifiers: ClinVar variation 137377 (VCV000137377.44), dbSNP rs9885672, ClinGen allele CA290935.